The following is an entry in ClinVar:

ClinVar aggregate classification (germline): Uncertain significance (1 of 4 stars; one submission).

Conditions:
Hereditary cancer-predisposing syndrome. Also called: Neoplastic Syndromes, Hereditary; Tumor predisposition; Hereditary Cancer Syndrome; Hereditary neoplastic syndrome. Identifiers: Orphanet 140162, MedGen C0027672, MeSH D009386, MONDO:0015356.

Submission:

Ambry Genetics
Classification: Uncertain significance for Hereditary cancer-predisposing syndrome. Last evaluated: 2026-03-27. Review status: criteria provided, single submitter. Criteria: Ambry Variant Classification Scheme 2023. Collection method: clinical testing. Allele origin: germline.
Comment: The c.4194_4195insCC variant, located in coding exon 29 of the SMARCA4 gene, results from an insertion of two nucleotides at position 4194, causing a translational frameshift with a predicted alternate stop codon (p.D1399Pfs*97). This alteration is expected to result in loss of function by premature protein truncation or nonsense-mediated mRNA decay. However, this region of the SMARCA4 gene is excluded from other biologically relevant SMARCA4 transcripts. Based on the available evidence, the clinical significance of this variant remains unclear.

NM_001387283.1(SMARCA4):c.4194_4195insCC (p.Asp1399fs)

Gene: SMARCA4 (SWI/SNF related BAF chromatin remodeling complex subunit ATPase 4; plus strand). Cytogenetic location: 19p13.2.
Variant type: Insertion.
Coding change: c.4194_4195insCC on transcript NM_001387283.1 (MANE Plus Clinical); coding-DNA positions 4194 to 4195, CC inserted.
Protein change: p.Asp1399fs; shifts the reading frame from aspartic acid 1399.
Molecular consequence: frameshift variant. On other transcripts: intron variant (7).
Genome position: GRCh38 VCF-style: chr19-11039481-T-TCC. GRCh37 (hg19) VCF-style: chr19-11150157-T-TCC.
Other names: c.4194_4195insCC, p.Asp1399fs (NM_001128849.3); c.4095_4096insCC, p.Asp1366fs (NM_001411150.1); c.4171-1826_4171-1825insCC (NM_001128844.3, NM_003072.5); c.4072-1826_4072-1825insCC (NM_001128847.4, NM_001374457.1, NM_001128848.2); c.4072-1817_4072-1816insCC (NM_001128845.2, NM_001128846.2); short protein forms D1366fs, D1399fs.
Identifiers: ClinVar variation 4864747 (VCV004864747.1).